The following is an entry in ClinVar:

NM_002691.4(POLD1):c.2932C>T (p.Arg978Cys)

Gene: POLD1 (DNA polymerase delta 1, catalytic subunit; plus strand). Cytogenetic location: 19q13.33.
Variant type: single nucleotide variant.
Coding change: c.2932C>T on transcript NM_002691.4 (MANE Select); coding-DNA position 2932, C replaced by T.
Protein change: p.Arg978Cys; replaces arginine 978 with cysteine.
Molecular consequence: missense variant. On other transcripts: non-coding transcript variant (1).
Genome position (GRCh38, 1-based): chr19:50,416,507, C>T. VCF-style: chr19-50416507-C-T. GRCh37 (hg19) VCF-style: chr19-50919764-C-T.
Other names: c.2932C>T, p.Arg978Cys (NM_001256849.1); c.3010C>T, p.Arg1004Cys (NM_001308632.1); short protein forms R1004C, R978C.
Identifiers: ClinVar variation 537077 (VCV000537077.22), dbSNP rs758407212, ClinGen allele CA9596686.

ClinVar aggregate classification (germline): Uncertain significance. Review status: criteria provided, multiple submitters, no conflicts (2 of 4 stars). 4 submissions from 4 submitters: Uncertain significance (4). Last evaluated 2026-01-07.

Conditions:
Hereditary cancer-predisposing syndrome. Also called: Tumor predisposition; Neoplastic Syndromes, Hereditary; Hereditary Cancer Syndrome; Hereditary neoplastic syndrome. Identifiers: Orphanet 140162, MedGen C0027672, MeSH D009386, MONDO:0015356.
POLD1-related polyposis and colorectal cancer syndrome (CRCS10). Also called: Colorectal cancer 10; COLORECTAL CANCER, SUSCEPTIBILITY TO, ON CHROMOSOME 19q; Colorectal cancer, susceptibility to, 10. Identifiers: Orphanet 220460, MedGen C2675481, MONDO:0012953, OMIM 612591.

Allele frequency attached by ClinVar (database versions not stated): gnomAD 0.00001 and 0.00002; TOPMed 0.00001; ExAC 0.00005.

Submissions (4):

Labcorp Genetics (formerly Invitae), Labcorp
Classification: Uncertain significance for POLD1-related polyposis and colorectal cancer syndrome. Last evaluated: 2026-01-07. Review status: criteria provided, single submitter. Criteria: Invitae Variant Classification Sherloc (09022015). Collection method: clinical testing. Allele origin: germline.
Comment: This sequence change replaces arginine, which is basic and polar, with cysteine, which is neutral and slightly polar, at codon 978 of the POLD1 protein (p.Arg978Cys). The frequency data for this variant in the population databases is considered unreliable, as metrics indicate poor data quality at this position in the gnomAD database. This variant has not been reported in the literature in individuals affected with POLD1-related conditions. ClinVar contains an entry for this variant (Variation ID: 537077). An algorithm developed to predict the effect of missense changes on protein structure and function (PolyPhen-2) suggests that this variant is likely to be disruptive. In summary, the available evidence is currently insufficient to determine the role of this variant in disease. Therefore, it has been classified as a Variant of Uncertain Significance.

Ambry Genetics
Classification: Uncertain significance for Hereditary cancer-predisposing syndrome. Last evaluated: 2025-01-22. Review status: criteria provided, single submitter. Criteria: Ambry Variant Classification Scheme 2023. Collection method: clinical testing. Allele origin: germline.
Comment: The p.R978C variant (also known as c.2932C>T), located in coding exon 22 of the POLD1 gene, results from a C to T substitution at nucleotide position 2932. The arginine at codon 978 is replaced by cysteine, an amino acid with highly dissimilar properties. This amino acid position is conserved. In addition, this alteration is predicted to be tolerated by in silico analysis. Based on the available evidence, the clinical significance of this variant remains unclear.

GeneDx
Classification: Uncertain significance. Last evaluated: 2024-02-05. Review status: criteria provided, single submitter. Criteria: GeneDx Variant Classification Process June 2021. Collection method: clinical testing. Allele origin: germline. Affected: yes.
Comment: Not observed at significant frequency in large population cohorts (gnomAD); In silico analysis supports that this missense variant has a deleterious effect on protein structure/function; Has not been previously published as pathogenic or benign to our knowledge; This variant is associated with the following publications: (PMID: Demidova2022[preprint])

Eurofins Ntd Llc (ga)
Classification: Uncertain significance. Last evaluated: 2018-03-13. Review status: criteria provided, single submitter. Criteria: EGL ClinVar v180209 classification definitions. Collection method: clinical testing. Allele origin: germline. Observed: 1 variant allele, 1 heterozygote.